The following is an entry in ClinVar:

ClinVar aggregate classification (germline): Uncertain significance. Review status: criteria provided, multiple submitters, no conflicts (2 of 4 stars). 2 submissions from 2 submitters: Uncertain significance (2). Last evaluated 2024-05-28.

Conditions:
Imerslund-Grasbeck syndrome. Also called: PERNICIOUS ANEMIA, JUVENILE, DUE TO SELECTIVE INTESTINAL MALABSORPTION OF VITAMIN B12, WITH PROTEINURIA; Megaloblastic anemia due to inborn errors of metabolism; ENTEROCYTE COBALAMIN MALABSORPTION; ENTEROCYTE INTRINSIC FACTOR RECEPTOR, DEFECT OF; Imerslund-Gräsbeck syndrome. Identifiers: Orphanet 35858, MedGen C4551825, MONDO:0009853.
Proteinuria, chronic benign. Identifiers: MedGen C5394384, MONDO:0030042, OMIM 618884.
Imerslund-Grasbeck syndrome type 1 (IGS1). Also called: Imerslund-Gräsbeck syndrome 1; Megaloblastic anemia 1, Finnish type; MEGALOBLASTIC ANEMIA, 1. Identifiers: MedGen C4016819, MONDO:0100156, OMIM 261100.

Allele frequency attached by ClinVar (database versions not stated): gnomAD 0.00001 and 0.00002; ExAC 0.00004; 1000 Genomes Project 30x 0.00016; gnomAD exomes 0.00004; TOPMed 0.00007; 1000 Genomes Project 0.00020.
gnomAD v4.1: 22 of 1,597,888 alleles (0.0014%); highest among the groups gnomAD compares: Middle Eastern, 0.13%; no homozygotes.

Submissions (2):

Fulgent Genetics
Classification: Uncertain significance for Imerslund-Grasbeck syndrome type 1; Proteinuria, chronic benign. Last evaluated: 2024-05-28. Review status: criteria provided, single submitter. Criteria: ACMG Guidelines, 2015. Collection method: clinical testing. Allele origin: germline.

Labcorp Genetics (formerly Invitae), Labcorp
Classification: Uncertain significance for Imerslund-Grasbeck syndrome. Last evaluated: 2024-02-16. Review status: criteria provided, single submitter. Criteria: Invitae Variant Classification Sherloc (09022015). Collection method: clinical testing. Allele origin: germline.
Comment: This sequence change replaces threonine, which is neutral and polar, with serine, which is neutral and polar, at codon 3281 of the CUBN protein (p.Thr3281Ser). This variant is present in population databases (rs570241713, gnomAD 0.007%). This variant has not been reported in the literature in individuals affected with CUBN-related conditions. ClinVar contains an entry for this variant (Variation ID: 1381910). Advanced modeling of protein sequence and biophysical properties (such as structural, functional, and spatial information, amino acid conservation, physicochemical variation, residue mobility, and thermodynamic stability) performed at Invitae indicates that this missense variant is not expected to disrupt CUBN protein function with a negative predictive value of 80%. In summary, the available evidence is currently insufficient to determine the role of this variant in disease. Therefore, it has been classified as a Variant of Uncertain Significance.

NM_001081.4(CUBN):c.9841A>T (p.Thr3281Ser)

Gene: CUBN (cubilin; minus strand). Cytogenetic location: 10p13.
Variant type: single nucleotide variant.
Coding change: c.9841A>T on transcript NM_001081.4 (MANE Select); coding-DNA position 9841, A replaced by T.
Protein change: p.Thr3281Ser; replaces threonine 3281 with serine.
Molecular consequence: missense variant.
Genome position (GRCh38, 1-based): chr10:16,840,521, T>A on the plus strand (A>T on the coding strand, the complement: CUBN is on the minus strand). VCF-style: chr10-16840521-T-A. GRCh37 (hg19) VCF-style: chr10-16882520-T-A.
Other names: short protein forms T3281S.
Identifiers: ClinVar variation 1381910 (VCV001381910.6), dbSNP rs570241713, ClinGen allele CA5422564.
Genomic context (GRCh38, chr10:16,840,521, plus strand): 5'-CATCTGGGTCTGATGAATTGGGTGATGAAATATTTTGTGGGGTCCAAGTTGCATTGTATG[T>A]TCCACCACAAGGCACTGGAGAGGGAGGAAAAAGCAACACAGGAGACATTTTATTCATGTC-3'
Protein context (NP_001072.2, residues 3271-3291): YTIMDMPCGG[Thr3281Ser]YNATWTPQNI